The following is an entry in ClinVar:

ClinVar aggregate classification (germline): Likely benign. Review status: criteria provided, multiple submitters, no conflicts (2 of 4 stars). 3 submissions from 3 submitters: Likely benign (2). 1 of the submissions does not count toward it. Last evaluated 2023-12-15.

Conditions:
TMEM107-related disorder. Also called: TMEM107-related condition.

Allele frequency attached by ClinVar (database versions not stated): gnomAD exomes below 0.00001 and 0.00001; ExAC 0.00001.
gnomAD v4.1: 10 of 1,614,160 alleles (0.00062%); highest among the groups gnomAD compares: Middle Eastern, 0.033%; no homozygotes.

Submissions (3):

Labcorp Genetics (formerly Invitae), Labcorp
Classification: Likely benign. Last evaluated: 2023-12-15. Review status: criteria provided, single submitter. Criteria: Invitae Variant Classification Sherloc (09022015). Collection method: clinical testing. Allele origin: germline.

Blueprint Genetics
Classification: Likely benign. Last evaluated: 2022-12-30. Review status: criteria provided, single submitter. Criteria: ACMG Guidelines, 2015. Collection method: clinical testing. Allele origin: germline.

PreventionGenetics, part of Exact Sciences
Classification: Likely benign for TMEM107-related condition. Last evaluated: 2020-01-10. Review status: no assertion criteria provided. Collection method: clinical testing. Allele origin: germline. Not counted in ClinVar's aggregate classification.
Comment: This variant is classified as likely benign based on ACMG/AMP sequence variant interpretation guidelines (Richards et al. 2015 PMID: 25741868, with internal and published modifications).

NM_183065.4(TMEM107):c.366T>A (p.Ala122=)

Genes: TMEM107 (transmembrane protein 107; minus strand), LOC105371520 (uncharacterized LOC105371520; plus strand). Cytogenetic location: 17p13.1.
Variant type: single nucleotide variant.
Coding change: c.366T>A on transcript NM_183065.4 (MANE Select); coding-DNA position 366, T replaced by A.
Protein change: p.Ala122=; no amino-acid change (alanine 122 retained).
Molecular consequence: synonymous variant. On other transcripts: non-coding transcript variant (1).
Genome position (GRCh38, 1-based): chr17:8,174,260, A>T on the plus strand (T>A on the coding strand, the complement: TMEM107 is on the minus strand). VCF-style: chr17-8174260-A-T. GRCh37 (hg19) VCF-style: chr17-8077578-A-T.
Other names: c.363T>A, p.Ala121= (NM_001351278.2); c.345T>A, p.Ala115= (NM_001351279.2); c.168T>A, p.Ala56= (NM_001351280.2); c.384T>A, p.Ala128= (NM_032354.5); c.384T>A (NM_032354.3).
Identifiers: ClinVar variation 1371794 (VCV001371794.9), dbSNP rs749197969, ClinGen allele CA8370930.